The following is an entry in ClinVar:

NM_006231.4(POLE):c.1675C>A (p.Arg559=)

Gene: POLE (DNA polymerase epsilon, catalytic subunit; minus strand). Cytogenetic location: 12q24.33.
Variant type: single nucleotide variant.
Coding change: c.1675C>A on transcript NM_006231.4 (MANE Select); coding-DNA position 1675, C replaced by A.
Protein change: p.Arg559=; no amino-acid change (arginine 559 retained).
Molecular consequence: synonymous variant.
Genome position (GRCh38, 1-based): chr12:132,672,638, G>T on the plus strand (C>A on the coding strand, the complement: POLE is on the minus strand). VCF-style: chr12-132672638-G-T. GRCh37 (hg19) VCF-style: chr12-133249224-G-T.
Identifiers: ClinVar variation 1371111 (VCV001371111.6), dbSNP rs753784391, ClinGen allele CA482849592.

ClinVar aggregate classification (germline): Uncertain significance (1 of 4 stars; one submission).

Submission:

Labcorp Genetics (formerly Invitae), Labcorp
Classification: Uncertain significance. Last evaluated: 2024-03-16. Review status: criteria provided, single submitter. Criteria: Invitae Variant Classification Sherloc (09022015). Collection method: clinical testing. Allele origin: germline.
Comment: This sequence change affects codon 559 of the POLE mRNA. It is a 'silent' change, meaning that it does not change the encoded amino acid sequence of the POLE protein. This variant is not present in population databases (gnomAD no frequency). This variant has not been reported in the literature in individuals affected with POLE-related conditions. ClinVar contains an entry for this variant (Variation ID: 1371111). Algorithms developed to predict the effect of sequence changes on RNA splicing suggest that this variant may create or strengthen a splice site. In summary, the available evidence is currently insufficient to determine the role of this variant in disease. Therefore, it has been classified as a Variant of Uncertain Significance.